The following is an entry in ClinVar:

ClinVar aggregate classification (germline): Likely benign. Review status: criteria provided, multiple submitters, no conflicts (2 of 4 stars). 2 submissions from 2 submitters: Likely benign (2). Last evaluated 2026-03-01.

Conditions:
TAOK1-related disorder. Also called: TAOK1-related condition.

Allele frequency attached by ClinVar (database versions not stated): gnomAD exomes 0.00014; 1000 Genomes Project 30x 0.00016; ExAC 0.00017; 1000 Genomes Project 0.00020; ESP Exome Variant Server 0.00023; gnomAD 0.00028; TOPMed 0.00045.
gnomAD v4.1: 261 of 1,613,986 alleles (0.016%); highest among the groups gnomAD compares: Admixed American, 0.07%; no homozygotes.

Submissions (2):

CeGaT Center for Human Genetics Tuebingen
Classification: Likely benign. Last evaluated: 2026-03-01. Review status: criteria provided, single submitter. Criteria: CeGaT Center For Human Genetics Tuebingen Variant Classification Criteria Version 2. Collection method: clinical testing. Allele origin: germline. Affected: yes. Observed: 4 variant alleles.
Comment: TAOK1: BP4, BP7

PreventionGenetics, part of Exact Sciences
Classification: Likely benign for TAOK1-related condition. Last evaluated: 2024-10-24. Review status: criteria provided, single submitter. Criteria: ACMG Guidelines, 2015. Collection method: clinical testing. Allele origin: germline.
Comment: This variant is classified as likely benign based on ACMG/AMP sequence variant interpretation guidelines (Richards et al. 2015 PMID: 25741868, with internal and published modifications).

NM_020791.4(TAOK1):c.57C>T (p.Phe19=)

Gene: TAOK1 (TAO kinase 1; plus strand). Cytogenetic location: 17q11.2.
Variant type: single nucleotide variant.
Coding change: c.57C>T on transcript NM_020791.4 (MANE Select); coding-DNA position 57, C replaced by T.
Protein change: p.Phe19=; no amino-acid change (phenylalanine 19 retained).
Molecular consequence: synonymous variant.
Genome position (GRCh38, 1-based): chr17:29,451,605, C>T. VCF-style: chr17-29451605-C-T. GRCh37 (hg19) VCF-style: chr17-27778623-C-T.
Other names: c.57C>T (NM_020791.2); c.57C>T, p.Phe19= (NM_025142.1).
Identifiers: ClinVar variation 3025516 (VCV003025516.23), dbSNP rs56343780, ClinGen allele CA8474342.